The following is an entry in ClinVar:

ClinVar aggregate classification (germline): Uncertain significance. Review status: criteria provided, multiple submitters, no conflicts (2 of 4 stars). 5 submissions from 5 submitters: Uncertain significance (5). Last evaluated 2025-05-17.

Allele frequency attached by ClinVar (database versions not stated): TOPMed below 0.00001; gnomAD 0.00001.
gnomAD v4.1: 20 of 1,613,622 alleles (0.0012%); highest among the groups gnomAD compares: Middle Eastern, 0.049%; no homozygotes.

Submissions (5):

Ambry Genetics
Classification: Uncertain significance. Last evaluated: 2025-05-17. Review status: criteria provided, single submitter. Criteria: Ambry Variant Classification Scheme 2023. Collection method: clinical testing. Allele origin: germline.

Revvity Omics, Revvity
Classification: Uncertain significance. Last evaluated: 2023-12-20. Review status: criteria provided, single submitter. Criteria: ACMG Guidelines, 2015. Collection method: clinical testing. Allele origin: germline.

Labcorp Genetics (formerly Invitae), Labcorp
Classification: Uncertain significance. Last evaluated: 2022-07-01. Review status: criteria provided, single submitter. Criteria: Invitae Variant Classification Sherloc (09022015). Collection method: clinical testing. Allele origin: germline.
Comment: In summary, the available evidence is currently insufficient to determine the role of this variant in disease. Therefore, it has been classified as a Variant of Uncertain Significance. Algorithms developed to predict the effect of missense changes on protein structure and function (SIFT, PolyPhen-2, Align-GVGD) all suggest that this variant is likely to be disruptive. ClinVar contains an entry for this variant (Variation ID: 1162870). This variant has not been reported in the literature in individuals affected with SPTA1-related conditions. This variant is present in population databases (rs148064417, gnomAD 0.01%). This sequence change replaces proline, which is neutral and non-polar, with threonine, which is neutral and polar, at codon 972 of the SPTA1 protein (p.Pro972Thr).

Mayo Clinic Laboratories, Mayo Clinic
Classification: Uncertain significance. Last evaluated: 2019-09-26. Review status: criteria provided, single submitter. Criteria: ACMG Guidelines, 2015. Collection method: clinical testing. Allele origin: germline. Observed: 1 variant allele.

Breakthrough Genomics
Classification: Uncertain significance. Review status: criteria provided, single submitter. Criteria: ACMG Guidelines, 2015. Collection method: not provided. Allele origin: germline. Inheritance: Autosomal recessive inheritance. Affected: yes.

NM_003126.4(SPTA1):c.2914C>A (p.Pro972Thr)

Gene: SPTA1 (spectrin alpha, erythrocytic 1; minus strand). Cytogenetic location: 1q23.1.
Variant type: single nucleotide variant.
Coding change: c.2914C>A on transcript NM_003126.4 (MANE Select); coding-DNA position 2914, C replaced by A.
Protein change: p.Pro972Thr; replaces proline 972 with threonine.
Molecular consequence: missense variant.
Genome position (GRCh38, 1-based): chr1:158,654,733, G>T on the plus strand (C>A on the coding strand, the complement: SPTA1 is on the minus strand). VCF-style: chr1-158654733-G-T. GRCh37 (hg19) VCF-style: chr1-158624523-G-T.
Other names: short protein forms P972T.
Identifiers: ClinVar variation 1162870 (VCV001162870.12), dbSNP rs148064417, ClinGen allele CA1183229.